The following is an entry in ClinVar:

NM_007118.4(TRIO):c.7166C>T (p.Ala2389Val)

Gene: TRIO (trio Rho guanine nucleotide exchange factor; plus strand). Cytogenetic location: 5p15.2.
Variant type: single nucleotide variant.
Coding change: c.7166C>T on transcript NM_007118.4 (MANE Select); coding-DNA position 7166, C replaced by T.
Protein change: p.Ala2389Val; replaces alanine 2389 with valine.
Molecular consequence: missense variant.
Genome position (GRCh38, 1-based): chr5:14,487,794, C>T. VCF-style: chr5-14487794-C-T. GRCh37 (hg19) VCF-style: chr5-14487903-C-T.
Other names: c.7166C>T (NM_007118.3); short protein forms A2389V.
Identifiers: ClinVar variation 1266454 (VCV001266454.28), dbSNP rs533386148, ClinGen allele CA3207352.

ClinVar aggregate classification (germline): Benign/Likely benign. Review status: criteria provided, multiple submitters, no conflicts (2 of 4 stars). 4 submissions from 4 submitters: Benign (2); Likely benign (1). 1 of the submissions does not count toward it. Last evaluated 2026-06-01.

Conditions:
TRIO-related disorder. Also called: TRIO-related condition; TRIO-related disorders.

Allele frequency attached by ClinVar (database versions not stated): gnomAD exomes 0.00011 and 0.00019; ExAC 0.00040; gnomAD 0.00116 and 0.00117; TOPMed 0.00120; 1000 Genomes Project 30x 0.00125; 1000 Genomes Project 0.00140.
gnomAD v4.1: 336 of 1,398,228 alleles (0.024%); highest among the groups gnomAD compares: African/African-American, 0.43%; 1 homozygote.

Submissions (4):

CeGaT Center for Human Genetics Tuebingen
Classification: Likely benign. Last evaluated: 2026-06-01. Review status: criteria provided, single submitter. Criteria: CeGaT Center For Human Genetics Tuebingen Variant Classification Criteria Version 2. Collection method: clinical testing. Allele origin: germline. Affected: yes. Observed: 3 variant alleles.
Comment: TRIO: BS1

GeneDx
Classification: Benign. Last evaluated: 2020-10-27. Review status: criteria provided, single submitter. Criteria: GeneDx Variant Classification Process June 2021. Collection method: clinical testing. Allele origin: germline. Affected: yes.

Breakthrough Genomics
Classification: Benign. Review status: criteria provided, single submitter. Criteria: ACMG Guidelines, 2015. Collection method: not provided. Allele origin: germline. Inheritance: Autosomal dominant inheritance. Affected: yes.

PreventionGenetics, part of Exact Sciences
Classification: Likely benign for TRIO-related condition. Last evaluated: 2019-06-21. Review status: no assertion criteria provided. Collection method: clinical testing. Allele origin: germline. Not counted in ClinVar's aggregate classification.
Comment: This variant is classified as likely benign based on ACMG/AMP sequence variant interpretation guidelines (Richards et al. 2015 PMID: 25741868, with internal and published modifications).